The following is an entry in ClinVar:

NM_001244008.2(KIF1A):c.1048C>T (p.Arg350Trp)

Gene: KIF1A (kinesin family member 1A; minus strand). Cytogenetic location: 2q37.3.
Variant type: single nucleotide variant.
Coding change: c.1048C>T on transcript NM_001244008.2 (MANE Select); coding-DNA position 1048, C replaced by T.
Protein change: p.Arg350Trp; replaces arginine 350 with tryptophan.
Molecular consequence: missense variant.
Genome position (GRCh38, 1-based): chr2:240,773,246, G>A on the plus strand (C>T on the coding strand, the complement: KIF1A is on the minus strand). VCF-style: chr2-240773246-G-A. GRCh37 (hg19) VCF-style: chr2-241712663-G-A.
Other names: c.1048C>T (NM_001244008.1, NM_004321.6); c.1048C>T, p.Arg350Trp (NM_001320705.2, NM_001330289.2, NM_001330290.2 and 20 more transcripts); short protein forms R350W.
Identifiers: ClinVar variation 974917 (VCV000974917.10), dbSNP rs387907259, ClinGen allele CA351296358.

ClinVar aggregate classification (germline): Likely pathogenic. Review status: criteria provided, multiple submitters, no conflicts (2 of 4 stars). 5 submissions from 5 submitters: Likely pathogenic (5). Last evaluated 2025-06-27.

Conditions:
Hereditary spastic paraplegia 30. Identifiers: Orphanet 101010, MedGen C5235139, MONDO:0012476.
KIF1A-related disorder. Also called: KIF1A-related disorders; KIF1A-related condition.
Neuropathy, hereditary sensory, type 2C. Also called: KIF1A-Related HSAN2 (HSAN2C); Hereditary sensory and autonomic neuropathy type IIC. Identifiers: Orphanet 970, MedGen C3280168, MONDO:0013634, OMIM 614213.
Intellectual disability, autosomal dominant 9 (NESCAVS). Also called: NESCAV SYNDROME; KIF1A-Related Neurodevelopmental Disorder. Identifiers: Orphanet 662367, MedGen C5393830, MONDO:0013656, OMIM 614255.

Allele frequency attached by ClinVar (database versions not stated): TOPMed below 0.00001; gnomAD 0.00001.
gnomAD v4.1: 1 of 1,613,750 alleles (0.000062%); highest among the groups gnomAD compares: Non-Finnish European, 0.000085%; no homozygotes.

Submissions (5):

GeneDx
Classification: Likely pathogenic. Last evaluated: 2025-06-27. Review status: criteria provided, single submitter. Criteria: GeneDx Variant Classification Process June 2021. Collection method: clinical testing. Allele origin: germline. Affected: yes.
Comment: Reported in the heterozygous state in an individual with spastic paraplegia in the published literature, however, familial segregation information and additional clinical information were not included (PMID: 30564185); Reported on exome sequencing in the heterozygous state in an individual with spastic paraplegia and family history consistent with autosomal dominant inheritance, though segregation analysis was not completed (PMID: 31488895); Not observed at significant frequency in large population cohorts (gnomAD); In silico analysis supports that this missense variant has a deleterious effect on protein structure/function; This variant is associated with the following publications: (PMID: 31488895, 30564185, 33866115, 21376300, 21820098, 26125038, 34121983, 40458237, 34487232, 22258533)

Concord Molecular Medicine Laboratory, Concord Repatriation General Hospital
Classification: Likely pathogenic for Spastic paraplegia 30A, autosomal dominant. Last evaluated: 2025-02-12. Review status: criteria provided, single submitter. Criteria: ACMG Guidelines, 2015. Collection method: clinical testing. Allele origin: germline. Inheritance: Autosomal dominant inheritance. Affected: yes. Observed: 1 heterozygote.
Comment: This is a rare missense variant that is detected in extremely low frequency in control population database (gnomAD v4.1.0). The variant has been reported in individuals with autosomal dominant spastic paraplegia (PMID: 31488895, 30564185). The KIF1A gene is not tolerant of missense variants (gnomAD missense constraint Z score 6.62). The variant is located within the kinesin motor domain (IPR001752). In silico analysis suggests the variant to be pathogenic (REVEL score 0.93).

Blueprint Genetics
Classification: Likely pathogenic for KIF1A-related disorders. Last evaluated: 2024-10-01. Review status: criteria provided, single submitter. Criteria: ACMG Guidelines, 2015. Collection method: clinical testing. Allele origin: germline. Affected: yes. Observed: 5 variant alleles.

Labcorp Genetics (formerly Invitae), Labcorp
Classification: Likely pathogenic for Hereditary spastic paraplegia 30; Neuropathy, hereditary sensory, type 2C; Intellectual disability, autosomal dominant 9. Last evaluated: 2024-03-07. Review status: criteria provided, single submitter. Criteria: Invitae Variant Classification Sherloc (09022015). Collection method: clinical testing. Allele origin: germline.
Comment: This sequence change replaces arginine, which is basic and polar, with tryptophan, which is neutral and slightly polar, at codon 350 of the KIF1A protein (p.Arg350Trp). This variant is not present in population databases (gnomAD no frequency). This missense change has been observed in individual(s) with autosomal dominant spastic paraplegia (PMID: 30564185, 31488895). ClinVar contains an entry for this variant (Variation ID: 974917). Advanced modeling of protein sequence and biophysical properties (such as structural, functional, and spatial information, amino acid conservation, physicochemical variation, residue mobility, and thermodynamic stability) performed at Invitae indicates that this missense variant is expected to disrupt KIF1A protein function with a positive predictive value of 95%. This variant disrupts the p.Arg350 amino acid residue in KIF1A. Other variant(s) that disrupt this residue have been determined to be pathogenic (PMID: 22258533). This suggests that this residue is clinically significant, and that variants that disrupt this residue are likely to be disease-causing. In summary, the currently available evidence indicates that the variant is pathogenic, but additional data are needed to prove that conclusively. Therefore, this variant has been classified as Likely Pathogenic.

SIB Swiss Institute of Bioinformatics
Classification: Likely pathogenic for Spastic paraplegia 30A, autosomal dominant. Last evaluated: 2020-06-15. Review status: criteria provided, single submitter. Criteria: ACMG Guidelines, 2015. Collection method: curation. Allele origin: unknown.
Comment: This variant is interpreted as likely pathogenic for spastic paraplegia 30, autosomal dominant. The following ACMG Tag(s) were applied: Absent from controls (or at extremely low frequency if recessive) in Exome Sequencing Project, 1000 Genomes Project, or Exome Aggregation Consortium (PM2); Novel missense change at an amino acid residue where a different missense change determined to be pathogenic has been seen before (PM5); Multiple lines of computational evidence support a deleterious effect on the gene or gene product (PP3); Missense variant in a gene that has a low rate of benign missense variation and in which missense variants are a common mechanism of disease (PP2).

Literature cited by the submitters: PubMed 30564185 (cited by Labcorp Genetics (formerly Invitae), Labcorp); PubMed 31488895 (cited by Labcorp Genetics (formerly Invitae), Labcorp and SIB Swiss Institute of Bioinformatics); PubMed 22258533 (cited by Labcorp Genetics (formerly Invitae), Labcorp).